The following is an entry in ClinVar:

ClinVar aggregate classification (germline): Benign/Likely benign. Review status: criteria provided, multiple submitters, no conflicts (2 of 4 stars). 4 submissions from 4 submitters: Benign (1); Likely benign (3). Last evaluated 2024-09-19.

Conditions:
Hereditary cancer-predisposing syndrome. Also called: Hereditary Cancer Syndrome; Hereditary neoplastic syndrome; Neoplastic Syndromes, Hereditary; Tumor predisposition. Identifiers: Orphanet 140162, MedGen C0027672, MeSH D009386, MONDO:0015356.
Hereditary diffuse gastric adenocarcinoma (HDGC). Also called: DIFFUSE GASTRIC AND LOBULAR BREAST CANCER SYNDROME. Identifiers: Orphanet 26106, MedGen C1708349, MONDO:0007648, OMIM 137215.

Allele frequency attached by ClinVar (database versions not stated): TOPMed 0.00002.

Submissions (4):

Myriad Genetics, Inc.
Classification: Benign for Hereditary diffuse gastric adenocarcinoma. Last evaluated: 2024-09-19. Review status: criteria provided, single submitter. Criteria: Myriad Autosomal Dominant, Autosomal Recessive and X-Linked Classification Criteria (2023). Collection method: clinical testing. Allele origin: unknown.
Comment: This variant is considered benign. This variant is a silent/synonymous amino acid change and it is not expected to impact splicing.

Color Diagnostics, LLC DBA Color Health
Classification: Likely benign for Hereditary cancer-predisposing syndrome. Last evaluated: 2023-12-04. Review status: criteria provided, single submitter. Criteria: ACMG Guidelines, 2015. Collection method: clinical testing. Allele origin: germline.

Labcorp Genetics (formerly Invitae), Labcorp
Classification: Likely benign for Hereditary diffuse gastric adenocarcinoma. Last evaluated: 2023-07-10. Review status: criteria provided, single submitter. Criteria: Invitae Variant Classification Sherloc (09022015). Collection method: clinical testing. Allele origin: germline.

Ambry Genetics
Classification: Likely benign for Hereditary cancer-predisposing syndrome. Last evaluated: 2023-04-08. Review status: criteria provided, single submitter. Criteria: Ambry Variant Classification Scheme 2023. Collection method: clinical testing. Allele origin: germline.

NM_004360.5(CDH1):c.1747C>T (p.Leu583=)

Gene: CDH1 (cadherin 1; plus strand). Cytogenetic location: 16q22.1.
Variant type: single nucleotide variant.
Coding change: c.1747C>T on transcript NM_004360.5 (MANE Select); coding-DNA position 1747, C replaced by T.
Protein change: p.Leu583=; no amino-acid change (leucine 583 retained).
Molecular consequence: synonymous variant. On other transcripts: 5 prime UTR variant (1).
Genome position (GRCh38, 1-based): chr16:68,822,036, C>T. VCF-style: chr16-68822036-C-T. GRCh37 (hg19) VCF-style: chr16-68855939-C-T.
Other names: c.1564C>T, p.Leu522= (NM_001317184.2); c.199C>T, p.Leu67= (NM_001317185.2); c.-219C>T (NM_001317186.2); c.1747C>T (NM_004360.3).
Identifiers: ClinVar variation 1332629 (VCV001332629.14), dbSNP rs898744939, ClinGen allele CA283311940.